The following is an entry in ClinVar:

ClinVar aggregate classification (germline): Uncertain significance (1 of 4 stars; one submission).

Conditions:
Symmetrical dyschromatosis of extremities (DSH). Also called: RETICULATE ACROPIGMENTATION OF DOHI; SYMMETRIC DYSCHROMATOSIS OF THE EXTREMITIES; DYSCHROMATOSIS SYMMETRICA HEREDITARIA 1; Dyschromatosis symmetrica hereditaria. Identifiers: Orphanet 41, MedGen C0406775, MONDO:0007483, OMIM 127400.
Aicardi-Goutieres syndrome 6 (AGS6). Identifiers: Orphanet 51, MedGen C3539013, MONDO:0014007, OMIM 615010.

Submission:

Labcorp Genetics (formerly Invitae), Labcorp
Classification: Uncertain significance for Aicardi-Goutieres syndrome 6; Symmetrical dyschromatosis of extremities. Last evaluated: 2024-05-06. Review status: criteria provided, single submitter. Criteria: Invitae Variant Classification Sherloc (09022015). Collection method: clinical testing. Allele origin: germline.
Comment: This sequence change creates a premature translational stop signal (p.Tyr1182Metfs*22) in the ADAR gene. While this is not anticipated to result in nonsense mediated decay, it is expected to disrupt the last 45 amino acid(s) of the ADAR protein. This variant is not present in population databases (gnomAD no frequency). This variant has not been reported in the literature in individuals affected with ADAR-related conditions. ClinVar contains an entry for this variant (Variation ID: 2028438). Experimental studies and prediction algorithms are not available or were not evaluated, and the functional significance of this variant is currently unknown. In summary, the available evidence is currently insufficient to determine the role of this variant in disease. Therefore, it has been classified as a Variant of Uncertain Significance.

NM_001111.5(ADAR):c.3543del (p.Tyr1182fs)

Gene: ADAR (adenosine deaminase RNA specific; minus strand). Cytogenetic location: 1q21.3.
Variant type: Deletion.
Coding change: c.3543del on transcript NM_001111.5 (MANE Select); coding-DNA position 3543, one base deleted (C; older notation c.3543delC).
Protein change: p.Tyr1182fs; shifts the reading frame from tyrosine 1182.
Molecular consequence: frameshift variant.
Genome position (GRCh38, 1-based): chr1:154,584,944, G deleted on the plus strand (C on the coding strand, the reverse complement: ADAR is on the minus strand); the first of 2 consecutive G bases (chr1:154,584,944-154,584,945); deleting either gives the same sequence. VCF-style (leftmost placement, unchanged base first): chr1-154584943-AG-A. GRCh37 (hg19) VCF-style: chr1-154557419-AG-A.
Other names: c.2658del, p.Tyr887fs (NM_001025107.3, NM_001193495.2, NM_001365046.1 and 2 more transcripts); c.3570del, p.Tyr1191fs (NM_001365045.1); c.2580del, p.Tyr861fs (NM_001365049.1); c.3465del, p.Tyr1156fs (NM_015840.4); c.3408del, p.Tyr1137fs (NM_015841.4); short protein forms Y1182fs, Y1191fs, Y887fs, Y1137fs, Y1156fs, Y861fs.
Identifiers: ClinVar variation 2028438 (VCV002028438.4), dbSNP rs2526444601, ClinGen allele CA2580061112.